The following is an entry in ClinVar:

ClinVar aggregate classification (germline): Uncertain significance. Review status: criteria provided, multiple submitters, no conflicts (2 of 4 stars). 4 submissions from 4 submitters: Uncertain significance (3). 1 of the submissions does not count toward it. Last evaluated 2025-10-07.

Conditions:
Usher syndrome type 1F (USH1F). Also called: USHER SYNDROME, TYPE IF. Identifiers: Orphanet 231169, Orphanet 886, MedGen C1865885, MONDO:0011186, OMIM 602083.

Allele frequency attached by ClinVar (database versions not stated): gnomAD 0.00001; TOPMed 0.00001; gnomAD exomes 0.00004; ExAC 0.00007.
gnomAD v4.1: 18 of 1,606,966 alleles (0.0011%); highest among the groups gnomAD compares: East Asian, 0.018%; no homozygotes.

Submissions (4):

Myriad Genetics, Inc.
Classification: Uncertain significance for Usher syndrome type 1F. Last evaluated: 2025-10-07. Review status: criteria provided, single submitter. Criteria: Myriad Autosomal Dominant, Autosomal Recessive and X-Linked Classification Criteria (2023). Collection method: clinical testing. Allele origin: unknown.
Comment: NM_033056.3(PCDH15):c.1007G>A(R336Q) is a missense variant classified as a variant of uncertain significance in the context of PCDH15-related disorders. R336Q has been observed in a case with relevant disease (PMID: 29625443). Relevant functional assessments of this variant are not available in the literature. R336Q has been observed in referenced population frequency databases. In summary, there is insufficient evidence to classify NM_033056.3(PCDH15):c.1007G>A(R336Q) as pathogenic or benign. Please note: this variant was assessed in the context of healthy population screening.

GeneDx
Classification: Uncertain significance. Last evaluated: 2025-04-28. Review status: criteria provided, single submitter. Criteria: GeneDx Variant Classification Process June 2021. Collection method: clinical testing. Allele origin: germline. Affected: yes.
Comment: Identified in a patient with Usher syndrome who also harbored additional variants in other genes associated with Usher syndrome (PMID: 29625443); In silico analysis indicates that this missense variant does not alter protein structure/function; This variant is associated with the following publications: (PMID: 29625443)

Labcorp Genetics (formerly Invitae), Labcorp
Classification: Uncertain significance. Last evaluated: 2025-01-27. Review status: criteria provided, single submitter. Criteria: Invitae Variant Classification Sherloc (09022015). Collection method: clinical testing. Allele origin: germline.
Comment: This sequence change replaces arginine, which is basic and polar, with glutamine, which is neutral and polar, at codon 336 of the PCDH15 protein (p.Arg336Gln). This variant is present in population databases (rs370442031, gnomAD 0.05%). This missense change has been observed in individual(s) with clinical features of PCDH15-related conditions (PMID: 29625443). ClinVar contains an entry for this variant (Variation ID: 972283). Invitae Evidence Modeling of protein sequence and biophysical properties (such as structural, functional, and spatial information, amino acid conservation, physicochemical variation, residue mobility, and thermodynamic stability) indicates that this missense variant is not expected to disrupt PCDH15 protein function with a negative predictive value of 95%. In summary, the available evidence is currently insufficient to determine the role of this variant in disease. Therefore, it has been classified as a Variant of Uncertain Significance.

Natera, Inc.
Classification: Uncertain significance for Usher syndrome type 1F. Last evaluated: 2020-02-29. Review status: no assertion criteria provided. Collection method: clinical testing. Allele origin: germline. Not counted in ClinVar's aggregate classification.

Literature cited by the submitters: PubMed 29625443 (cited by Myriad Genetics, Inc. and Labcorp Genetics (formerly Invitae), Labcorp).

NM_001384140.1(PCDH15):c.1007G>A (p.Arg336Gln)

Gene: PCDH15 (protocadherin related 15; minus strand). Cytogenetic location: 10q21.1.
Variant type: single nucleotide variant.
Coding change: c.1007G>A on transcript NM_001384140.1 (MANE Select); coding-DNA position 1007, G replaced by A.
Protein change: p.Arg336Gln; replaces arginine 336 with glutamine.
Molecular consequence: missense variant.
Genome position (GRCh38, 1-based): chr10:54,214,027, C>T on the plus strand (G>A on the coding strand, the complement: PCDH15 is on the minus strand). VCF-style: chr10-54214027-C-T. GRCh37 (hg19) VCF-style: chr10-55973787-C-T.
Other names: c.1022G>A, p.Arg341Gln (NM_001142763.2, NM_001142769.4, NM_001142771.2); c.1007G>A, p.Arg336Gln (NM_001142764.2, NM_001142765.2, NM_001142766.2 and 7 more transcripts); c.896G>A, p.Arg299Gln (NM_001142767.2); c.941G>A, p.Arg314Gln (NM_001142768.2, NM_001142773.2, NM_001354404.2); short protein forms R299Q, R336Q, R314Q, R341Q.
Identifiers: ClinVar variation 972283 (VCV000972283.8), dbSNP rs370442031, ClinGen allele CA5506514.